The following is an entry in ClinVar:

ClinVar aggregate classification (germline): Uncertain significance. Review status: criteria provided, single submitter (1 of 4 stars). 2 submissions from 2 submitters: Uncertain significance (1). 1 of the submissions does not count toward it. Last evaluated 2022-11-07.

Conditions:
PLXNA1-related disorder. Also called: PLXNA1-related condition.

Allele frequency attached by ClinVar (database versions not stated): gnomAD exomes below 0.00001.
gnomAD v4.1: 2 of 1,614,024 alleles (0.00012%); highest among the groups gnomAD compares: Non-Finnish European, 0.00017%; no homozygotes.

Submissions (2):

Ambry Genetics
Classification: Uncertain significance. Last evaluated: 2022-11-07. Review status: criteria provided, single submitter. Criteria: Ambry Variant Classification Scheme 2023. Collection method: clinical testing. Allele origin: germline.

PreventionGenetics, part of Exact Sciences
Classification: Uncertain significance for PLXNA1-related condition. Last evaluated: 2024-01-05. Review status: no assertion criteria provided. Collection method: clinical testing. Allele origin: germline. Not counted in ClinVar's aggregate classification.
Comment: The PLXNA1 c.4336A>G variant is predicted to result in the amino acid substitution p.Thr1446Ala. To our knowledge, this variant has not been reported in the literature or in a large population database, indicating this variant is rare. At this time, the clinical significance of this variant is uncertain due to the absence of conclusive functional and genetic evidence.

NM_032242.4(PLXNA1):c.4336A>G (p.Thr1446Ala)

Gene: PLXNA1 (plexin A1; plus strand). Cytogenetic location: 3q21.3.
Variant type: single nucleotide variant.
Coding change: c.4336A>G on transcript NM_032242.4 (MANE Select); coding-DNA position 4336, A replaced by G.
Protein change: p.Thr1446Ala; replaces threonine 1446 with alanine.
Molecular consequence: missense variant.
Genome position (GRCh38, 1-based): chr3:127,022,792, A>G. VCF-style: chr3-127022792-A-G. GRCh37 (hg19) VCF-style: chr3-126741635-A-G.
Other names: short protein forms T1446A.
Identifiers: ClinVar variation 2323555 (VCV002323555.3), dbSNP rs2472553005, ClinGen allele CA354396946.